The following is an entry in ClinVar:

ClinVar aggregate classification (germline): Pathogenic (1 of 4 stars; one submission).

Submission:

Labcorp Genetics (formerly Invitae), Labcorp
Classification: Pathogenic. Last evaluated: 2024-06-26. Review status: criteria provided, single submitter. Criteria: Invitae Variant Classification Sherloc (09022015). Collection method: clinical testing. Allele origin: germline.
Comment: This sequence change creates a premature translational stop signal (p.Glu1159*) in the EYS gene. It is expected to result in an absent or disrupted protein product. Loss-of-function variants in EYS are known to be pathogenic (PMID: 18836446, 20333770). This variant is not present in population databases (gnomAD no frequency). This variant has not been reported in the literature in individuals affected with EYS-related conditions. For these reasons, this variant has been classified as Pathogenic.

Literature cited by the submitters: PubMed 18836446; PubMed 20333770.

NM_001142800.2(EYS):c.3475G>T (p.Glu1159Ter)

Gene: EYS (EGF-like photoreceptor maintenance factor; minus strand). Cytogenetic location: 6q12.
Variant type: single nucleotide variant.
Coding change: c.3475G>T on transcript NM_001142800.2 (MANE Select); coding-DNA position 3475, G replaced by T.
Protein change: p.Glu1159Ter; replaces glutamic acid 1159 with a stop codon.
Molecular consequence: nonsense.
Genome position (GRCh38, 1-based): chr6:64,626,214, C>A on the plus strand (G>T on the coding strand, the complement: EYS is on the minus strand). VCF-style: chr6-64626214-C-A. GRCh37 (hg19) VCF-style: chr6-65336107-C-A.
Other names: c.3475G>T, p.Glu1159Ter (NM_001292009.2); short protein forms E1159*.
Identifiers: ClinVar variation 3652405 (VCV003652405.2).